The following is an entry in ClinVar:

ClinVar aggregate classification (germline): Conflicting classifications of pathogenicity. Review status: criteria provided, conflicting classifications (1 of 4 stars). 2 submissions from 2 submitters: Likely pathogenic (1); Uncertain significance (1). Last evaluated 2022-03-25.

Conditions:
Conotruncal defect. Identifiers: MedGen C1853238, HP:0001710.

Allele frequency attached by ClinVar (database versions not stated): ESP Exome Variant Server 0.00008.
gnomAD v4.1: 2 of 1,613,614 alleles (0.00012%); highest among the groups gnomAD compares: Non-Finnish European, 0.00017%; no homozygotes.

Submissions (2):

GeneDx
Classification: Uncertain significance. Last evaluated: 2022-03-25. Review status: criteria provided, single submitter. Criteria: GeneDx Variant Classification Process June 2021. Collection method: clinical testing. Allele origin: germline. Affected: yes.
Comment: Published functional studies demonstrate a damaging effect (FOXH1 transcription activity dysfunction) (Wei et al., 2020); In silico analysis supports that this missense variant has a deleterious effect on protein structure/function; This variant is associated with the following publications: (PMID: 32003456)

Xu Lab, Pediatric Cardiology, Xinhua Hospital, affiliated to Shanghai Jiao Tong University School of Medicine
Classification: Likely pathogenic for Conotruncal defect. Last evaluated: 2020-04-23. Review status: criteria provided, single submitter. Criteria: Wei W et al. (Clin Genet 2020). Collection method: case-control. Allele origin: germline. Affected: yes.

NM_003923.3(FOXH1):c.232A>G (p.Lys78Glu)

Gene: FOXH1 (forkhead box H1; minus strand). Cytogenetic location: 8q24.3.
Variant type: single nucleotide variant.
Coding change: c.232A>G on transcript NM_003923.3 (MANE Select); coding-DNA position 232, A replaced by G.
Protein change: p.Lys78Glu; replaces lysine 78 with glutamic acid.
Molecular consequence: missense variant.
Genome position (GRCh38, 1-based): chr8:144,475,204, T>C on the plus strand (A>G on the coding strand, the complement: FOXH1 is on the minus strand). VCF-style: chr8-144475204-T-C. GRCh37 (hg19) VCF-style: chr8-145700587-T-C.
Other names: short protein forms K78E.
Identifiers: ClinVar variation 869451 (VCV000869451.3), dbSNP rs143221196, ClinGen allele CA187725505.
Genomic context (GRCh38, chr8:144,475,204, plus strand): 5'-TGGCCTGCCCCACCTTGCGGAAGCATCGGTTGGAGGAAAGGTTGTGGCGAATGGAGTCTT[T>C]CCAGCCCTCGTAGTCTTCCCTGAAGAAGGGGAACACGGCCTGGACCTGACGGATGATCTG-3'
Protein context (NP_003914.1, residues 68-88): PFFREDYEGW[Lys78Glu]DSIRHNLSSN